The following is an entry in ClinVar:

NM_001042492.3(NF1):c.889-2A>T

Gene: NF1 (neurofibromin 1; plus strand). Cytogenetic location: 17q11.2.
Variant type: single nucleotide variant.
Coding change: c.889-2A>T on transcript NM_001042492.3 (MANE Select); the canonical splice acceptor site of the intron before coding-DNA position 889, A replaced by T.
Molecular consequence: splice acceptor variant.
Genome position (GRCh38, 1-based): chr17:31,200,420, A>T. VCF-style: chr17-31200420-A-T. GRCh37 (hg19) VCF-style: chr17-29527438-A-T.
Other names: c.889-2A>T (NM_000267.4, NM_001128147.3).
Identifiers: ClinVar variation 1685972 (VCV001685972.3), dbSNP rs878853922, ClinGen allele CA398995473.

ClinVar aggregate classification (germline): Pathogenic. Review status: criteria provided, multiple submitters, no conflicts (2 of 4 stars). 2 submissions from 2 submitters: Pathogenic (2). Last evaluated 2024-04-24.

Conditions:
Neurofibromatosis, type 1 (NF1). Also called: Neurofibromatosis, type I; NEUROFIBROMATOSIS, TYPE I, SOMATIC; VON RECKLINGHAUSEN DISEASE; Peripheral type neurofibromatosis. Identifiers: Orphanet 636, MedGen C0027831, MONDO:0018975, OMIM 162200. Disease mechanism: loss of function.

Submissions (2):

Labcorp Genetics (formerly Invitae), Labcorp
Classification: Pathogenic for Neurofibromatosis, type 1. Last evaluated: 2024-04-24. Review status: criteria provided, single submitter. Criteria: Invitae Variant Classification Sherloc (09022015). Collection method: clinical testing. Allele origin: germline.
Comment: This sequence change affects an acceptor splice site in intron 8 of the NF1 gene. RNA analysis indicates that disruption of this splice site induces altered splicing and likely results in a shortened protein product. This variant is not present in population databases (gnomAD no frequency). Disruption of this splice site has been observed in individual(s) with neurofibromatosis type 1 (PMID: 30308447, 31730495). In at least one individual the variant was observed to be de novo. ClinVar contains an entry for this variant (Variation ID: 1685972). Studies have shown that disruption of this splice site results in skipping of exon 7, but is expected to preserve the integrity of the reading-frame (PMID: 10076878, 18546366). For these reasons, this variant has been classified as Pathogenic.

Mendelics
Classification: Pathogenic for Neurofibromatosis, type 1. Last evaluated: 2022-05-04. Review status: criteria provided, single submitter. Criteria: Mendelics Assertion Criteria 2019. Collection method: clinical testing. Allele origin: germline.

Literature cited by the submitters: PubMed 30308447 (cited by Labcorp Genetics (formerly Invitae), Labcorp); PubMed 31730495 (cited by Labcorp Genetics (formerly Invitae), Labcorp); PubMed 10076878 (cited by Labcorp Genetics (formerly Invitae), Labcorp); PubMed 18546366 (cited by Labcorp Genetics (formerly Invitae), Labcorp).